The following is an entry in ClinVar:

NM_178857.6(RP1L1):c.3255C>G (p.Ile1085Met)

Gene: RP1L1 (RP1 like 1). Cytogenetic location: 8p23.1.
Variant type: single nucleotide variant.
Coding change: c.3255C>G on transcript NM_178857.6 (MANE Select); coding-DNA position 3255, C replaced by G.
Protein change: p.Ile1085Met; replaces isoleucine 1085 with methionine.
Molecular consequence: missense variant.
Genome position (GRCh38, 1-based): chr8:10,610,843, G>C on the plus strand (C>G on the coding strand, the complement: RP1L1 is on the minus strand). VCF-style: chr8-10610843-G-C. GRCh37 (hg19) VCF-style: chr8-10468353-G-C.
Other names: short protein forms I1085M.
Identifiers: ClinVar variation 361317 (VCV000361317.11), dbSNP rs150752593, ClinGen allele CA4624546.

ClinVar aggregate classification (germline): Benign. Review status: criteria provided, multiple submitters, no conflicts (2 of 4 stars). 5 submissions from 5 submitters: Benign (2). 3 of the submissions do not count toward it. Last evaluated 2023-10-01.

Conditions:
Retinal dystrophy. Also called: Inherited retinal dystrophy. Identifiers: Orphanet 71862, MedGen C0854723, MeSH D058499, MONDO:0019118, HP:0000556.
Occult macular dystrophy (OCMD). Also called: OMD; OCCULT MACULAR DYSTROPHY, SUSCEPTIBILITY TO. Identifiers: Orphanet 247834, MedGen C3150833, MONDO:0013316, OMIM 613587, HP:0030636.

Allele frequency attached by ClinVar (database versions not stated): gnomAD exomes 0.00064 and 0.00223; gnomAD 0.00069 and 0.00103; TOPMed 0.00094; ExAC 0.00213; 1000 Genomes Project 30x 0.00578; 1000 Genomes Project 0.00639.
gnomAD v4.1: 1,158 of 1,608,176 alleles (0.072%); highest among the groups gnomAD compares: East Asian, 2.2%; 18 homozygotes.

Submissions (5):

Dept Of Ophthalmology, Nagoya University
Classification: Benign for Retinal dystrophy. Last evaluated: 2023-10-01. Review status: criteria provided, single submitter. Criteria: Submitter's publication. Collection method: research. Allele origin: germline. Affected: yes.

Illumina Laboratory Services, Illumina
Classification: Benign for Occult macular dystrophy. Last evaluated: 2018-01-13. Review status: criteria provided, single submitter. Criteria: ICSL Variant Classification Criteria 13 December 2019. Collection method: clinical testing. Allele origin: germline.
Comment: This variant was observed in the ICSL laboratory as part of a predisposition screen in an ostensibly healthy population. It had not been previously curated by ICSL or reported in the Human Gene Mutation Database (HGMD: prior to June 1st, 2018), and was therefore a candidate for classification through an automated scoring system. Utilizing variant allele frequency, disease prevalence and penetrance estimates, and inheritance mode, an automated score was calculated to assess if this variant is too frequent to cause the disease. Based on the score and internal cut-off values, a variant classified as benign is not then subjected to further curation. The score for this variant resulted in a classification of benign for this disease.

Clinical Genetics DNA and cytogenetics Diagnostics Lab, Erasmus MC, Erasmus Medical Center
Classification: Benign. Review status: no assertion criteria provided. Collection method: clinical testing. Allele origin: germline. Affected: yes. Study: VKGL Data-share Consensus. Not counted in ClinVar's aggregate classification.

Clinical Genetics, Academic Medical Center
Classification: Benign. Review status: no assertion criteria provided. Collection method: clinical testing. Allele origin: germline. Affected: yes. Study: VKGL Data-share Consensus. Not counted in ClinVar's aggregate classification.

Joint Genome Diagnostic Labs from Nijmegen and Maastricht, Radboudumc and MUMC+
Classification: Benign. Review status: no assertion criteria provided. Collection method: clinical testing. Allele origin: germline. Affected: yes. Study: VKGL Data-share Consensus. Not counted in ClinVar's aggregate classification.